The following is an entry in ClinVar:

ClinVar aggregate classification (germline): Uncertain significance. Review status: criteria provided, multiple submitters, no conflicts (2 of 4 stars). 2 submissions from 2 submitters: Uncertain significance (2). Last evaluated 2025-06-01.

Conditions:
Ehlers-Danlos syndrome, type 4 (EDSVASC). Also called: Ehlers-Danlos syndrome vascular type; Ehlers Danlos syndrome, ecchymotic type; Ehlers Danlos syndrome, arterial type; Ehlers Danlos syndrome, Sack-Barabas type; Ehlers-Danlos Syndrome Type IV. Identifiers: Orphanet 286, MedGen C0268338, MONDO:0017314, OMIM 130050.

Allele frequency attached by ClinVar (database versions not stated): TOPMed 0.00002.
gnomAD v4.1: 2 of 1,613,300 alleles (0.00012%); highest among the groups gnomAD compares: Admixed American, 0.0033%; no homozygotes.

Submissions (2):

Labcorp Genetics (formerly Invitae), Labcorp
Classification: Uncertain significance for Ehlers-Danlos syndrome, type 4. Last evaluated: 2025-06-01. Review status: criteria provided, single submitter. Criteria: Invitae Variant Classification Sherloc (09022015). Collection method: clinical testing. Allele origin: germline.
Comment: This sequence change replaces proline, which is neutral and non-polar, with serine, which is neutral and polar, at codon 479 of the COL3A1 protein (p.Pro479Ser). This variant is not present in population databases (gnomAD no frequency). This variant has not been reported in the literature in individuals affected with COL3A1-related conditions. ClinVar contains an entry for this variant (Variation ID: 645143). Invitae Evidence Modeling of protein sequence and biophysical properties (such as structural, functional, and spatial information, amino acid conservation, physicochemical variation, residue mobility, and thermodynamic stability) indicates that this missense variant is not expected to disrupt COL3A1 protein function with a negative predictive value of 95%. In summary, the available evidence is currently insufficient to determine the role of this variant in disease. Therefore, it has been classified as a Variant of Uncertain Significance.

All of Us Research Program, National Institutes of Health
Classification: Uncertain significance for Ehlers-Danlos syndrome, type 4. Last evaluated: 2023-08-15. Review status: criteria provided, single submitter. Criteria: ACMG Guidelines, 2015. Collection method: clinical testing. Allele origin: germline. Inheritance: Autosomal dominant inheritance. Observed: 1 variant allele, 1 heterozygote.
Comment: This missense variant replaces proline with serine at codon 479 of the COL3A1 protein. Computational prediction suggests that this variant may not impact protein structure and function (internally defined REVEL score threshold <= 0.5, PMID: 27666373). To our knowledge, functional studies have not been reported for this variant. This variant has not been reported in individuals affected with COL3A1-related disorders in the literature. This variant has not been identified in the general population by the Genome Aggregation Database (gnomAD). The available evidence is insufficient to determine the role of this variant in disease conclusively. Therefore, this variant is classified as a Variant of Uncertain Significance.

This study involves interpretation of variants in research participants for the purpose of population health screening. Participant phenotype was not available at the time of variant classification. Additional details can be found in publication PMID: 35346344, PMCID: PMC8962531

NM_000090.4(COL3A1):c.1435C>T (p.Pro479Ser)

Gene: COL3A1 (collagen type III alpha 1 chain; plus strand). Cytogenetic location: 2q32.2.
Variant type: single nucleotide variant.
Coding change: c.1435C>T on transcript NM_000090.4 (MANE Select); coding-DNA position 1435, C replaced by T.
Protein change: p.Pro479Ser; replaces proline 479 with serine.
Molecular consequence: missense variant.
Genome position (GRCh38, 1-based): chr2:188,994,811, C>T. VCF-style: chr2-188994811-C-T. GRCh37 (hg19) VCF-style: chr2-189859537-C-T.
Other names: short protein forms P479S.
Identifiers: ClinVar variation 645143 (VCV000645143.10), dbSNP rs1425504057, ClinGen allele CA349851916.